The following is an entry in ClinVar:

NM_016382.4(CD244):c.39C>T (p.Leu13=)

Gene: CD244 (CD244 molecule; minus strand). Cytogenetic location: 1q23.3.
Variant type: single nucleotide variant.
Coding change: c.39C>T on transcript NM_016382.4 (MANE Select); coding-DNA position 39, C replaced by T.
Protein change: p.Leu13=; no amino-acid change (leucine 13 retained).
Molecular consequence: synonymous variant.
Genome position (GRCh38, 1-based): chr1:160,862,639, G>A on the plus strand (C>T on the coding strand, the complement: CD244 is on the minus strand). VCF-style: chr1-160862639-G-A. GRCh37 (hg19) VCF-style: chr1-160832429-G-A.
Other names: c.39C>T, p.Leu13= (NM_001166663.2, NM_001166664.2).
Identifiers: ClinVar variation 780271 (VCV000780271.6), dbSNP rs16832484, ClinGen allele CA1202458.

ClinVar aggregate classification (germline): Benign. Review status: criteria provided, multiple submitters, no conflicts (2 of 4 stars). 3 submissions from 3 submitters: Benign (2). 1 of the submissions does not count toward it. Last evaluated 2018-06-29.

Conditions:
CD244-related disorder. Also called: CD244-related condition.

Allele frequency attached by ClinVar (database versions not stated): ESP Exome Variant Server 0.01407; 1000 Genomes Project 0.01538; gnomAD 0.01327 and 0.01425; TOPMed 0.01525; gnomAD exomes 0.00130 and 0.00367; ExAC 0.00452; 1000 Genomes Project 30x 0.01733.
gnomAD v4.1: 4,037 of 1,614,032 alleles (0.25%); highest among the groups gnomAD compares: African/African-American, 4.6%; 77 homozygotes.

Submissions (3):

Labcorp Genetics (formerly Invitae), Labcorp
Classification: Benign. Last evaluated: 2018-06-29. Review status: criteria provided, single submitter. Criteria: Invitae Variant Classification Sherloc (09022015). Collection method: clinical testing. Allele origin: germline.

Breakthrough Genomics
Classification: Benign. Review status: criteria provided, single submitter. Criteria: ACMG Guidelines, 2015. Collection method: not provided. Allele origin: germline. Inheritance: Unknown mechanism. Affected: yes.

PreventionGenetics, part of Exact Sciences
Classification: Benign for CD244-related condition. Last evaluated: 2019-12-23. Review status: no assertion criteria provided. Collection method: clinical testing. Allele origin: germline. Not counted in ClinVar's aggregate classification.
Comment: This variant is classified as benign based on ACMG/AMP sequence variant interpretation guidelines (Richards et al. 2015 PMID: 25741868, with internal and published modifications).